The following is an entry in ClinVar:

ClinVar aggregate classification (germline): Likely benign (0 of 4 stars; one submission).

Conditions:
KANK2-related disorder. Also called: KANK2-related condition.

Submission:

PreventionGenetics, part of Exact Sciences
Classification: Likely benign for KANK2-related condition. Last evaluated: 2023-02-22. Review status: no assertion criteria provided. Collection method: clinical testing. Allele origin: germline.
Comment: This variant is classified as likely benign based on ACMG/AMP sequence variant interpretation guidelines (Richards et al. 2015 PMID: 25741868, with internal and published modifications).

NM_001136191.3(KANK2):c.1728G>C (p.Gly576=)

Gene: KANK2 (KN motif and ankyrin repeat domains 2; minus strand). Cytogenetic location: 19p13.2.
Variant type: single nucleotide variant.
Coding change: c.1728G>C on transcript NM_001136191.3 (MANE Select); coding-DNA position 1728, G replaced by C.
Protein change: p.Gly576=; no amino-acid change (glycine 576 retained).
Molecular consequence: synonymous variant.
Genome position (GRCh38, 1-based): chr19:11,176,610, C>G on the plus strand (G>C on the coding strand, the complement: KANK2 is on the minus strand). VCF-style: chr19-11176610-C-G. GRCh37 (hg19) VCF-style: chr19-11287286-C-G.
Other names: c.1728G>C, p.Gly576= (NM_001329451.2, NM_001379555.1, NM_001379556.1 and 7 more transcripts); c.1752G>C, p.Gly584= (NM_001379548.1, NM_001379549.1, NM_001379550.1 and 5 more transcripts).
Identifiers: ClinVar variation 3048733 (VCV003048733.2), dbSNP rs534783163, ClinGen allele CA505486483.